The following is an entry in ClinVar:

NM_015404.4(WHRN):c.2453G>A (p.Arg818His)

Gene: WHRN (whirlin; minus strand). Cytogenetic location: 9q32.
Variant type: single nucleotide variant.
Coding change: c.2453G>A on transcript NM_015404.4 (MANE Select); coding-DNA position 2453, G replaced by A.
Protein change: p.Arg818His; replaces arginine 818 with histidine.
Molecular consequence: missense variant.
Genome position (GRCh38, 1-based): chr9:114,403,305, C>T on the plus strand (G>A on the coding strand, the complement: WHRN is on the minus strand). VCF-style: chr9-114403305-C-T. GRCh37 (hg19) VCF-style: chr9-117165585-C-T.
Other names: c.1304G>A, p.Arg435His (NM_001083885.3); c.2450G>A, p.Arg817His (NM_001173425.2); c.1400G>A, p.Arg467His (NM_001346890.1); short protein forms R435H, R818H, R467H, R817H.
Identifiers: ClinVar variation 1411531 (VCV001411531.8), dbSNP rs762248099, ClinGen allele CA5205622.
Genomic context (GRCh38, chr9:114,403,305, plus strand): 5'-TGGCGGGTGTTGGCGCCACCCTCGATGGCGATGCCCAGGGTGGCCGCACTTTTCTTCACA[C>T]GGACCAGAGTGGACGTGGGCTCCAGAAGTCCAGGCTGTGGGTATTAGGAAGGACACCACT-3'
Protein context (NP_056219.3, residues 808-828): GLLEPTSTLV[Arg818His]VKKSAATLGI

ClinVar aggregate classification (germline): Uncertain significance. Review status: criteria provided, multiple submitters, no conflicts (2 of 4 stars). 4 submissions from 4 submitters: Uncertain significance (4). Last evaluated 2023-11-09.

Conditions:
Autosomal recessive nonsyndromic hearing loss 31. Also called: WHIRLER, MOUSE, HOMOLOG OF. Identifiers: Orphanet 90636, MedGen C1846839, MONDO:0011767, OMIM 607084.
Usher syndrome type 2D. Also called: USHER SYNDROME, TYPE IID. Identifiers: Orphanet 231178, Orphanet 886, MedGen C1568249, MONDO:0012662, OMIM 611383.

Allele frequency attached by ClinVar (database versions not stated): gnomAD 0.00001; TOPMed 0.00001; gnomAD exomes 0.00002 and 0.00007; ExAC 0.00007.
gnomAD v4.1: 38 of 1,614,002 alleles (0.0024%); highest among the groups gnomAD compares: South Asian, 0.031%; no homozygotes.

Submissions (4):

Blueprint Genetics
Classification: Uncertain significance. Last evaluated: 2023-11-09. Review status: criteria provided, single submitter. Criteria: ACMG Guidelines, 2015. Collection method: clinical testing. Allele origin: germline.

Labcorp Genetics (formerly Invitae), Labcorp
Classification: Uncertain significance. Last evaluated: 2022-10-18. Review status: criteria provided, single submitter. Criteria: Invitae Variant Classification Sherloc (09022015). Collection method: clinical testing. Allele origin: germline.
Comment: This sequence change replaces arginine, which is basic and polar, with histidine, which is basic and polar, at codon 818 of the WHRN protein (p.Arg818His). This variant is present in population databases (rs762248099, gnomAD 0.05%). This variant has not been reported in the literature in individuals affected with WHRN-related conditions. ClinVar contains an entry for this variant (Variation ID: 1411531). Algorithms developed to predict the effect of missense changes on protein structure and function are either unavailable or do not agree on the potential impact of this missense change (SIFT: "Deleterious"; PolyPhen-2: "Probably Damaging"; Align-GVGD: "Class C0"). In summary, the available evidence is currently insufficient to determine the role of this variant in disease. Therefore, it has been classified as a Variant of Uncertain Significance.

GeneDx
Classification: Uncertain significance. Last evaluated: 2022-03-07. Review status: criteria provided, single submitter. Criteria: GeneDx Variant Classification Process June 2021. Collection method: clinical testing. Allele origin: germline. Affected: yes.
Comment: In silico analysis supports that this missense variant does not alter protein structure/function; Has not been previously published as pathogenic or benign to our knowledge

Fulgent Genetics
Classification: Uncertain significance for Autosomal recessive nonsyndromic hearing loss 31; Usher syndrome type 2D. Last evaluated: 2021-11-05. Review status: criteria provided, single submitter. Criteria: ACMG Guidelines, 2015. Collection method: clinical testing. Allele origin: unknown.